The following is an entry in ClinVar:

NM_000368.5(TSC1):c.1047del (p.Ser350fs)

Gene: TSC1 (TSC complex subunit 1; minus strand). Cytogenetic location: 9q34.13.
Variant type: Deletion.
Coding change: c.1047del on transcript NM_000368.5 (MANE Select); coding-DNA position 1047, one base deleted (A; older notation c.1047delA).
Protein change: p.Ser350fs; shifts the reading frame from serine 350.
Molecular consequence: frameshift variant.
Genome position (GRCh38, 1-based): chr9:132,911,096, T deleted on the plus strand (A on the coding strand, the reverse complement: TSC1 is on the minus strand). VCF-style (leftmost placement, unchanged base first): chr9-132911095-AT-A. GRCh37 (hg19) VCF-style: chr9-135786482-AT-A.
Other names: c.1047del, p.Ser350fs (NM_001162426.2); c.894del, p.Ser299fs (NM_001162427.2); c.684del, p.Ser229fs (NM_001362177.2); short protein forms S229fs, S299fs, S350fs.
Identifiers: ClinVar variation 1385868 (VCV001385868.6), dbSNP rs2131963896, ClinGen allele CA2573144231.

ClinVar aggregate classification (germline): Pathogenic (1 of 4 stars; one submission).

Conditions:
Tuberous sclerosis 1 (TSC1). Identifiers: Orphanet 805, MedGen C1854465, MONDO:0008612, OMIM 191100.

Submission:

Labcorp Genetics (formerly Invitae), Labcorp
Classification: Pathogenic for Tuberous sclerosis 1. Last evaluated: 2021-03-25. Review status: criteria provided, single submitter. Criteria: Invitae Variant Classification Sherloc (09022015). Collection method: clinical testing. Allele origin: germline.
Comment: For these reasons, this variant has been classified as Pathogenic. This variant has not been reported in the literature in individuals with TSC1-related conditions. This variant is not present in population databases (ExAC no frequency). This sequence change creates a premature translational stop signal (p.Ser350Leufs*6) in the TSC1 gene. It is expected to result in an absent or disrupted protein product. Loss-of-function variants in TSC1 are known to be pathogenic (PMID: 10227394, 17304050).

Literature cited by the submitters: PubMed 10227394; PubMed 17304050.